The following is an entry in ClinVar:

NM_001384910.1(GUCA1A):c.49G>T (p.Glu17Ter)

Genes: GUCA1A (guanylate cyclase activator 1A; plus strand), GUCA1ANB-GUCA1A (GUCA1ANB-GUCA1A readthrough; plus strand). Cytogenetic location: 6p21.1.
Variant type: single nucleotide variant.
Coding change: c.49G>T on transcript NM_001384910.1 (MANE Select); coding-DNA position 49, G replaced by T.
Protein change: p.Glu17Ter; replaces glutamic acid 17 with a stop codon.
Molecular consequence: nonsense.
Genome position (GRCh38, 1-based): chr6:42,173,662, G>T. VCF-style: chr6-42173662-G-T. GRCh37 (hg19) VCF-style: chr6-42141400-G-T.
Other names: c.49G>T, p.Glu17Ter (NM_000409.5, NM_001319061.2, NM_001319062.2); short protein forms E17*.
Identifiers: ClinVar variation 1463192 (VCV001463192.6), dbSNP rs778379606, ClinGen allele CA3805249.
Genomic context (GRCh38, chr6:42,173,662, plus strand): 5'-AAGGCCTGAGCAATGGGCAACGTGATGGAGGGAAAGTCAGTGGAGGAGCTGAGCAGCACC[G>T]AGTGCCACCAGTGGTACAAGAAGTTCATGACTGAGTGCCCCTCTGGCCAACTCACCCTCT-3'

ClinVar aggregate classification (germline): Uncertain significance (1 of 4 stars; one submission).

Submission:

Labcorp Genetics (formerly Invitae), Labcorp
Classification: Uncertain significance. Last evaluated: 2025-02-24. Review status: criteria provided, single submitter. Criteria: Invitae Variant Classification Sherloc (09022015). Collection method: clinical testing. Allele origin: germline.
Comment: This sequence change creates a premature translational stop signal (p.Glu17*) in the GUCA1A gene. It is expected to result in an absent or disrupted protein product. However, the current clinical and genetic evidence is not sufficient to establish whether loss-of-function variants in GUCA1A cause disease. This variant is present in population databases (rs778379606, gnomAD 0.009%). This variant has not been reported in the literature in individuals affected with GUCA1A-related conditions. ClinVar contains an entry for this variant (Variation ID: 1463192). In summary, the available evidence is currently insufficient to determine the role of this variant in disease. Therefore, it has been classified as a Variant of Uncertain Significance.